The following is an entry in ClinVar:

NM_000090.4(COL3A1):c.3604G>T (p.Ala1202Ser)

Gene: COL3A1 (collagen type III alpha 1 chain; plus strand). Cytogenetic location: 2q32.2.
Variant type: single nucleotide variant.
Coding change: c.3604G>T on transcript NM_000090.4 (MANE Select); coding-DNA position 3604, G replaced by T.
Protein change: p.Ala1202Ser; replaces alanine 1202 with serine.
Molecular consequence: missense variant.
Genome position (GRCh38, 1-based): chr2:189,009,002, G>T. VCF-style: chr2-189009002-G-T. GRCh37 (hg19) VCF-style: chr2-189873728-G-T.
Other names: short protein forms A1202S.
Identifiers: ClinVar variation 625923 (VCV000625923.3), dbSNP rs1270244946, ClinGen allele CA349846722.

ClinVar aggregate classification (germline): Uncertain significance. Review status: criteria provided, single submitter (1 of 4 stars). 2 submissions from 1 submitter: Uncertain significance (2). Last evaluated 2018-10-16.

Conditions:
Ehlers-Danlos syndrome, type 4 (EDSVASC). Also called: Ehlers-Danlos syndrome vascular type; Ehlers Danlos syndrome, ecchymotic type; Ehlers Danlos syndrome, arterial type; Ehlers Danlos syndrome, Sack-Barabas type; Ehlers-Danlos Syndrome Type IV. Identifiers: Orphanet 286, MedGen C0268338, MONDO:0017314, OMIM 130050.
Polymicrogyria with or without vascular-type Ehlers-Danlos syndrome. Identifiers: Orphanet 636941, MedGen C5193040, MONDO:0032688, OMIM 618343.

Submissions (2):

Center for Genomics, Ann and Robert H. Lurie Children's Hospital of Chicago
Classification: Uncertain significance for Ehlers-Danlos syndrome, type 4. Last evaluated: 2018-10-16. Review status: criteria provided, single submitter. Criteria: ACMG Guidelines, 2015. Collection method: clinical testing. Allele origin: germline.
Comment: COL3A1 NM_000090.3 exon 48 p.Ala1202Ser (c.3604G>T): This variant has not been reported in the literature and is absent from large control databases. However, evolutionary conservation and computational predictive tools suggest that this variant may not impact the protein. In summary, data on this variant is insufficient for disease classification. Therefore, the clinical significance of this variant is uncertain.

Center for Genomics, Ann and Robert H. Lurie Children's Hospital of Chicago
Classification: Uncertain significance for Ehlers-Danlos syndrome, type 4; Polymicrogyria with or without vascular-type Ehlers-Danlos syndrome. Review status: criteria provided, single submitter. Criteria: ACMG Guidelines, 2015. Collection method: clinical testing. Allele origin: germline.
Comment: the same text as in the submission from Center for Genomics, Ann and Robert H. Lurie Children's Hospital of Chicago above.